The following is an entry in ClinVar:

ClinVar aggregate classification (germline): Likely benign (1 of 4 stars; one submission).

gnomAD v4.1: 38 of 1,590,908 alleles (0.0024%); highest among the groups gnomAD compares: South Asian, 0.0078%; no homozygotes.

Submission:

CeGaT Center for Human Genetics Tuebingen
Classification: Likely benign. Last evaluated: 2024-10-01. Review status: criteria provided, single submitter. Criteria: CeGaT Center For Human Genetics Tuebingen Variant Classification Criteria Version 2. Collection method: clinical testing. Allele origin: germline. Affected: yes. Observed: 1 variant allele.
Comment: TNXB: BP4, BP7

NM_001365276.2(TNXB):c.11379G>A (p.Ala3793=)

Genes: TNXB (tenascin XB; minus strand), LOC106780803 (tenascin XB recombination region; plus strand). Cytogenetic location: 6p21.33.
Variant type: single nucleotide variant.
Coding change: c.11379G>A on transcript NM_001365276.2 (MANE Select); coding-DNA position 11379, G replaced by A.
Protein change: p.Ala3793=; no amino-acid change (alanine 3793 retained).
Molecular consequence: synonymous variant.
Genome position (GRCh38, 1-based): chr6:32,044,014, C>T on the plus strand (G>A on the coding strand, the complement: TNXB is on the minus strand). VCF-style: chr6-32044014-C-T. GRCh37 (hg19) VCF-style: chr6-32011791-C-T.
Other names: c.12120G>A, p.Ala4040= (NM_001428335.1); c.11373G>A, p.Ala3791= (NM_019105.8); c.666G>A, p.Ala222= (NM_032470.4).
Identifiers: ClinVar variation 3388736 (VCV003388736.14).